The following is an entry in ClinVar:

NM_032119.4(ADGRV1):c.11833G>A (p.Ala3945Thr)

Gene: ADGRV1 (adhesion G protein-coupled receptor V1; plus strand). Cytogenetic location: 5q14.3.
Variant type: single nucleotide variant.
Coding change: c.11833G>A on transcript NM_032119.4 (MANE Select); coding-DNA position 11833, G replaced by A.
Protein change: p.Ala3945Thr; replaces alanine 3945 with threonine.
Molecular consequence: missense variant. On other transcripts: non-coding transcript variant (1).
Genome position (GRCh38, 1-based): chr5:90,757,054, G>A. VCF-style: chr5-90757054-G-A. GRCh37 (hg19) VCF-style: chr5-90052871-G-A.
Other names: c.11833G>A (NM_032119.3); short protein forms A3945T.
Identifiers: ClinVar variation 1484566 (VCV001484566.10), dbSNP rs1004229963, ClinGen allele CA122799166.

ClinVar aggregate classification (germline): Uncertain significance. Review status: criteria provided, multiple submitters, no conflicts (2 of 4 stars). 3 submissions from 3 submitters: Uncertain significance (3). Last evaluated 2026-06-25.

Conditions:
Inborn genetic diseases. Identifiers: MedGen C0950123, MeSH D030342.

Allele frequency attached by ClinVar (database versions not stated): gnomAD exomes below 0.00001; TOPMed 0.00001.
gnomAD v4.1: 2 of 1,613,912 alleles (0.00012%); highest among the groups gnomAD compares: Admixed American, 0.0017%; no homozygotes.

Submissions (3):

Women's Health and Genetics/Laboratory Corporation of America, LabCorp
Classification: Uncertain significance. Last evaluated: 2026-06-25. Review status: criteria provided, single submitter. Criteria: LabCorp Variant Classification Summary - May 2015. Collection method: clinical testing. Allele origin: germline.
Comment: Variant summary: ADGRV1 c.11833G>A (p.Ala3945Thr) results in a non-conservative amino acid change in the encoded protein sequence. Algorithms developed to predict the effect of missense changes on protein structure and function are either unavailable or do not agree on the potential impact of this missense change. The variant was absent in 249088 control chromosomes. The available data on variant occurrences in the general population are insufficient to allow any conclusion about variant significance. To our knowledge, no occurrence of c.11833G>A in individuals affected with ADGRV1-related conditions and no experimental evidence demonstrating its impact on protein function have been reported. ClinVar contains an entry for this variant (Variation ID: 1484566). Based on the evidence outlined above, the variant was classified as uncertain significance.

Ambry Genetics
Classification: Uncertain significance for Inborn genetic diseases. Last evaluated: 2023-11-22. Review status: criteria provided, single submitter. Criteria: Ambry Variant Classification Scheme 2023. Collection method: clinical testing. Allele origin: germline.

Labcorp Genetics (formerly Invitae), Labcorp
Classification: Uncertain significance. Last evaluated: 2022-03-19. Review status: criteria provided, single submitter. Criteria: Invitae Variant Classification Sherloc (09022015). Collection method: clinical testing. Allele origin: germline.
Comment: This sequence change replaces alanine, which is neutral and non-polar, with threonine, which is neutral and polar, at codon 3945 of the ADGRV1 protein (p.Ala3945Thr). This variant is not present in population databases (gnomAD no frequency). This variant has not been reported in the literature in individuals affected with ADGRV1-related conditions. Algorithms developed to predict the effect of missense changes on protein structure and function are either unavailable or do not agree on the potential impact of this missense change (SIFT: "Deleterious"; PolyPhen-2: "Probably Damaging"; Align-GVGD: "Class C0"). In summary, the available evidence is currently insufficient to determine the role of this variant in disease. Therefore, it has been classified as a Variant of Uncertain Significance.